The following is an entry in ClinVar:

NM_020831.6(MRTFA):c.557A>G (p.Lys186Arg)

Gene: MRTFA (myocardin related transcription factor A; minus strand). Cytogenetic location: 22q13.1.
Variant type: single nucleotide variant.
Coding change: c.557A>G on transcript NM_020831.6 (MANE Select); coding-DNA position 557, A replaced by G.
Protein change: p.Lys186Arg; replaces lysine 186 with arginine.
Molecular consequence: missense variant.
Genome position (GRCh38, 1-based): chr22:40,429,650, T>C on the plus strand (A>G on the coding strand, the complement: MRTFA is on the minus strand). VCF-style: chr22-40429650-T-C. GRCh37 (hg19) VCF-style: chr22-40825654-T-C.
Other names: c.557A>G, p.Lys186Arg (NM_001282662.3, NM_001282661.3); c.362A>G, p.Lys121Arg (NM_001318139.2); c.257A>G, p.Lys86Arg (NM_001282660.2); short protein forms K121R, K186R, K86R.
Identifiers: ClinVar variation 1683158 (VCV001683158.6), dbSNP rs2147090818, ClinGen allele CA411668068.
Genomic context (GRCh38, chr22:40,429,650, plus strand): 5'-GCTGGGTCCTCCTCACCAATGATGGCTTCCTTCAGGCTGGACTCAACAGGAAGGATGTTC[T>C]TCTCCACCAGCTCCATGGGGCCAGGCCTCTGTGCAATCTTCTCATTGAGGTCATCGGCTA-3'
Protein context (NP_065882.2, residues 176-196): QRPGPMELVE[Lys186Arg]NILPVESSLK

ClinVar aggregate classification (germline): Uncertain significance (1 of 4 stars; one submission).

Allele frequency attached by ClinVar (database versions not stated): gnomAD exomes below 0.00001.
gnomAD v4.1: 2 of 1,614,158 alleles (0.00012%); highest among the groups gnomAD compares: African/African-American, 0.0013%; no homozygotes.

Submission:

Labcorp Genetics (formerly Invitae), Labcorp
Classification: Uncertain significance. Last evaluated: 2022-07-05. Review status: criteria provided, single submitter. Criteria: Invitae Variant Classification Sherloc (09022015). Collection method: clinical testing. Allele origin: germline.
Comment: In summary, the available evidence is currently insufficient to determine the role of this variant in disease. Therefore, it has been classified as a Variant of Uncertain Significance. Algorithms developed to predict the effect of missense changes on protein structure and function (SIFT, PolyPhen-2, Align-GVGD) all suggest that this variant is likely to be disruptive. ClinVar contains an entry for this variant (Variation ID: 1683158). This variant has not been reported in the literature in individuals affected with MKL1-related conditions. This variant is not present in population databases (gnomAD no frequency). This sequence change replaces lysine, which is basic and polar, with arginine, which is basic and polar, at codon 86 of the MKL1 protein (p.Lys86Arg).